The following is an entry in ClinVar:

NM_001458.5(FLNC):c.2119C>T (p.Gln707Ter)

Gene: FLNC (filamin C; plus strand). Cytogenetic location: 7q32.1.
Variant type: single nucleotide variant.
Coding change: c.2119C>T on transcript NM_001458.5 (MANE Select); coding-DNA position 2119, C replaced by T.
Protein change: p.Gln707Ter; replaces glutamine 707 with a stop codon.
Molecular consequence: nonsense.
Genome position (GRCh38, 1-based): chr7:128,841,565, C>T. VCF-style: chr7-128841565-C-T. GRCh37 (hg19) VCF-style: chr7-128481619-C-T.
Other names: c.2119C>T, p.Gln707Ter (NM_001127487.2); short protein forms Q707*.
Identifiers: ClinVar variation 849024 (VCV000849024.10), dbSNP rs1808336992, ClinGen allele CA369228337.
Genomic context (GRCh38, chr7:128,841,565, plus strand): 5'-CCCGCTGAGTTCACCATTGATGCTCGTGCAGCTGGCAAGGGAGACCTGAAGCTCTATGCC[C>T]AGGTAGGTCATTGTCCAGTCTCTGCTGCCCTTACTACCCATGGCAGGGACCCTGGAAGGC-3'

ClinVar aggregate classification (germline): Pathogenic. Review status: criteria provided, multiple submitters, no conflicts (2 of 4 stars). 3 submissions from 3 submitters: Pathogenic (3). Last evaluated 2026-01-26.

Conditions:
Cardiovascular phenotype. Identifiers: MedGen CN230736.
Myofibrillar myopathy 5. Also called: FILAMINOPATHY, AUTOSOMAL DOMINANT; Filaminopathy (type). Identifiers: Orphanet 171445, MedGen C1836050, MONDO:0012289, OMIM 609524.
Distal myopathy with posterior leg and anterior hand involvement. Also called: WILLIAMS DISTAL MYOPATHY. Identifiers: Orphanet 63273, MedGen C3279722, MONDO:0013550, OMIM 614065.
Hypertrophic cardiomyopathy 26. Also called: Cardiomyopathy, familial hypertrophic, 26. Identifiers: Orphanet 75249, MedGen C4310749, MONDO:0014883, OMIM 617047.

Allele frequency attached by ClinVar (database versions not stated): TOPMed 0.00001.

Submissions (3):

Labcorp Genetics (formerly Invitae), Labcorp
Classification: Pathogenic for Distal myopathy with posterior leg and anterior hand involvement; Myofibrillar myopathy 5; Hypertrophic cardiomyopathy 26. Last evaluated: 2026-01-26. Review status: criteria provided, single submitter. Criteria: Invitae Variant Classification Sherloc (09022015). Collection method: clinical testing. Allele origin: germline.
Comment: This sequence change creates a premature translational stop signal (p.Gln707*) in the FLNC gene. It is expected to result in an absent or disrupted protein product. Loss-of-function variants in FLNC are known to be pathogenic (PMID: 27908349). This variant is not present in population databases (gnomAD no frequency). This premature translational stop signal has been observed in individual(s) with dilated cardiomyopathy (PMID: 30067491). ClinVar contains an entry for this variant (Variation ID: 849024). For these reasons, this variant has been classified as Pathogenic.

GeneDx
Classification: Pathogenic. Last evaluated: 2025-02-24. Review status: criteria provided, single submitter. Criteria: GeneDx Variant Classification Process June 2021. Collection method: clinical testing. Allele origin: germline. Affected: yes.
Comment: Nonsense variant predicted to result in protein truncation or nonsense mediated decay in a gene for which loss of function is a known mechanism of disease; Not observed at significant frequency in large population cohorts (gnomAD); This variant is associated with the following publications: (PMID: 35699965, 32112656, 30067491)

Ambry Genetics
Classification: Pathogenic for Cardiovascular phenotype. Last evaluated: 2024-02-07. Review status: criteria provided, single submitter. Criteria: Ambry Variant Classification Scheme 2023. Collection method: clinical testing. Allele origin: germline.
Comment: The p.Q707* pathogenic mutation (also known as c.2119C>T), located in coding exon 13 of the FLNC gene, results from a C to T substitution at nucleotide position 2119. This changes the amino acid from a glutamine to a stop codon within coding exon 13. This variant has been detected in an individual with dilated cardiomyopathy (Begay RL et al. JACC Clin Electrophysiol, 2018 Apr;4:504-514). This variant is considered to be rare based on population cohorts in the Genome Aggregation Database (gnomAD). This alteration is expected to result in loss of function by premature protein truncation or nonsense-mediated mRNA decay. Based on the supporting evidence, this variant is expected to be causative of FLNC-related dilated cardiomyopathy; however, its clinical significance for FLNC-related hypertrophic/restrictive cardiomyopathy and/or skeletal myopathy is unclear.

Literature cited by the submitters: PubMed 27908349 (cited by Labcorp Genetics (formerly Invitae), Labcorp); PubMed 30067491 (cited by Labcorp Genetics (formerly Invitae), Labcorp and Ambry Genetics).